The following is an entry in ClinVar:

NM_000548.5(TSC2):c.2097+5G>C

Gene: TSC2 (TSC complex subunit 2; plus strand). Cytogenetic location: 16p13.3.
Variant type: single nucleotide variant.
Coding change: c.2097+5G>C on transcript NM_000548.5 (MANE Select); 5 bases into the intron after coding-DNA position 2097, G replaced by C.
Molecular consequence: intron variant.
Genome position (GRCh38, 1-based): chr16:2,071,939, G>C. VCF-style: chr16-2071939-G-C. GRCh37 (hg19) VCF-style: chr16-2121940-G-C.
Other names: c.2097+5G>C (NM_001114382.3, NM_021055.3, NM_001370405.1 and 3 more transcripts); c.1986+5G>C (NM_001318827.2); c.1497+5G>C (NM_001318831.2); c.1950+5G>C (NM_001318829.2); c.2130+5G>C (NM_001318832.2).
Identifiers: ClinVar variation 535862 (VCV000535862.17), dbSNP rs977777731, ClinGen allele CA276737905.

ClinVar aggregate classification (germline): Conflicting classifications of pathogenicity. Review status: criteria provided, conflicting classifications (1 of 4 stars). 6 submissions from 6 submitters: Uncertain significance (3); Likely benign (3). Last evaluated 2026-01-16.

Conditions:
Tuberous sclerosis syndrome (TSC). Also called: Tuberous Sclerosis Complex; Tuberous sclerosis. Identifiers: Orphanet 805, MedGen C0041341, MONDO:0001734.
Tuberous sclerosis 2 (TSC2). Identifiers: Orphanet 805, MedGen C1860707, MONDO:0013199, OMIM 613254.
Hereditary cancer-predisposing syndrome. Also called: Neoplastic Syndromes, Hereditary; Hereditary neoplastic syndrome; Tumor predisposition; Hereditary Cancer Syndrome. Identifiers: Orphanet 140162, MedGen C0027672, MeSH D009386, MONDO:0015356.
Isolated focal cortical dysplasia type II (FCORD2). Also called: CORTICAL DYSPLASIA OF TAYLOR; Focal cortical dysplasia type II. Identifiers: Orphanet 268994, MedGen C1846385, MONDO:0011818, OMIM 607341, HP:0032051.
Lymphangiomyomatosis (LAM). Also called: Lymphangioleiomyomatosis; Lymphangioleiomyomatosis, somatic. Identifiers: Orphanet 538, MedGen C0751674, MONDO:0011705, OMIM 606690.

Allele frequency attached by ClinVar (database versions not stated): TOPMed below 0.00001; gnomAD exomes 0.00001.

Submissions (6):

Labcorp Genetics (formerly Invitae), Labcorp
Classification: Likely benign for Tuberous sclerosis 2. Last evaluated: 2026-01-16. Review status: criteria provided, single submitter. Criteria: Invitae Variant Classification Sherloc (09022015). Collection method: clinical testing. Allele origin: germline.

Color Diagnostics, LLC DBA Color Health
Classification: Likely benign for Tuberous sclerosis syndrome. Last evaluated: 2025-10-13. Review status: criteria provided, single submitter. Criteria: ACMG Guidelines, 2015. Collection method: clinical testing. Allele origin: germline.

Fulgent Genetics
Classification: Uncertain significance for Lymphangiomyomatosis; Isolated focal cortical dysplasia type II; Tuberous sclerosis 2. Last evaluated: 2024-03-27. Review status: criteria provided, single submitter. Criteria: ACMG Guidelines, 2015. Collection method: clinical testing. Allele origin: germline.

Ambry Genetics
Classification: Likely benign for Hereditary cancer-predisposing syndrome. Last evaluated: 2024-01-05. Review status: criteria provided, single submitter. Criteria: Ambry Variant Classification Scheme 2023. Collection method: clinical testing. Allele origin: germline.

GeneDx
Classification: Uncertain significance. Last evaluated: 2023-03-06. Review status: criteria provided, single submitter. Criteria: GeneDx Variant Classification Process June 2021. Collection method: clinical testing. Allele origin: germline. Affected: yes.
Comment: In silico analysis supports that this variant does not alter splicing; Has not been previously published as pathogenic or benign to our knowledge

Genome-Nilou Lab
Classification: Uncertain significance for Tuberous sclerosis 2. Last evaluated: 2021-11-07. Review status: criteria provided, single submitter. Criteria: ACMG Guidelines, 2015. Collection method: clinical testing. Allele origin: germline. Affected: no.